The following is an entry in ClinVar:

ClinVar aggregate classification (germline): Uncertain significance (1 of 4 stars; one submission).

Conditions:
Cardiovascular phenotype. Identifiers: MedGen CN230736.

Submission:

Ambry Genetics
Classification: Uncertain significance for Cardiovascular phenotype. Last evaluated: 2020-03-12. Review status: criteria provided, single submitter. Criteria: Ambry Variant Classification Scheme 2023. Collection method: clinical testing. Allele origin: germline.
Comment: The p.Y162C variant (also known as c.485A>G), located in coding exon 2 of the NKX2-5 gene, results from an A to G substitution at nucleotide position 485. The tyrosine at codon 162 is replaced by cysteine, an amino acid with highly dissimilar properties. This amino acid position is highly conserved in available vertebrate species. In addition, this alteration is predicted to be deleterious by in silico analysis. Since supporting evidence is limited at this time, the clinical significance of this alteration remains unclear.

NM_004387.4(NKX2-5):c.485A>G (p.Tyr162Cys)

Gene: NKX2-5 (NK2 homeobox 5; minus strand). Cytogenetic location: 5q35.1.
Variant type: single nucleotide variant.
Coding change: c.485A>G on transcript NM_004387.4 (MANE Select); coding-DNA position 485, A replaced by G.
Protein change: p.Tyr162Cys; replaces tyrosine 162 with cysteine.
Molecular consequence: missense variant. On other transcripts: 3 prime UTR variant (2).
Genome position (GRCh38, 1-based): chr5:173,233,059, T>C on the plus strand (A>G on the coding strand, the complement: NKX2-5 is on the minus strand). VCF-style: chr5-173233059-T-C. GRCh37 (hg19) VCF-style: chr5-172660062-T-C.
Other names: c.*438A>G (NM_001166175.2); c.*284A>G (NM_001166176.2); short protein forms Y162C.
Identifiers: ClinVar variation 1743616 (VCV001743616.2), dbSNP rs2480073161, ClinGen allele CA362161767.